The following is an entry in ClinVar:

ClinVar aggregate classification (germline): Uncertain significance (1 of 4 stars; one submission).

Conditions:
Hereditary cancer-predisposing syndrome. Also called: Hereditary neoplastic syndrome; Hereditary Cancer Syndrome; Neoplastic Syndromes, Hereditary; Tumor predisposition. Identifiers: Orphanet 140162, MedGen C0027672, MeSH D009386, MONDO:0015356.

Submission:

Ambry Genetics
Classification: Uncertain significance for Hereditary cancer-predisposing syndrome. Last evaluated: 2025-05-27. Review status: criteria provided, single submitter. Criteria: Ambry Variant Classification Scheme 2023. Collection method: clinical testing. Allele origin: germline.
Comment: The p.I944S variant (also known as c.2831T>G), located in coding exon 17 of the RET gene, results from a T to G substitution at nucleotide position 2831. The isoleucine at codon 944 is replaced by serine, an amino acid with dissimilar properties. This amino acid position is highly conserved in available vertebrate species. In addition, this alteration is predicted to be deleterious by in silico analysis. Based on the available evidence, the clinical significance of this variant remains unclear.

NM_020975.6(RET):c.2831T>G (p.Ile944Ser)

Gene: RET (ret proto-oncogene; plus strand). Cytogenetic location: 10q11.21.
Variant type: single nucleotide variant.
Coding change: c.2831T>G on transcript NM_020975.6 (MANE Select); coding-DNA position 2831, T replaced by G.
Protein change: p.Ile944Ser; replaces isoleucine 944 with serine.
Molecular consequence: missense variant.
Genome position (GRCh38, 1-based): chr10:43,123,700, T>G. VCF-style: chr10-43123700-T-G. GRCh37 (hg19) VCF-style: chr10-43619148-T-G.
Other names: c.2831T>G, p.Ile944Ser (NM_000323.2, NM_001406743.1, NM_001406744.1 and 4 more transcripts); c.2069T>G, p.Ile690Ser (NM_001355216.2); c.2702T>G, p.Ile901Ser (NM_001406761.1, NM_001406762.1, NM_001406764.1); c.2696T>G, p.Ile899Ser (NM_001406763.1, NM_001406765.1); c.2543T>G, p.Ile848Ser (NM_001406766.1, NM_001406767.1, NM_001406770.1); c.2567T>G, p.Ile856Ser (NM_001406768.1); c.2435T>G, p.Ile812Ser (NM_001406769.1, NM_001406772.1); c.2393T>G, p.Ile798Ser (NM_001406771.1, NM_001406773.1); and 10 more; short protein forms I944S, I690S, I702S, I798S, I812S, I856S, I600S, I769S.
Identifiers: ClinVar variation 2568340 (VCV002568340.3), dbSNP rs1554819955, ClinGen allele CA009096.